The following is an entry in ClinVar:

ClinVar aggregate classification (germline): Pathogenic. Review status: criteria provided, single submitter (1 of 4 stars). 2 submissions from 2 submitters: Pathogenic (1). 1 of the submissions does not count toward it. Last evaluated 2025-10-06.

Conditions:
Hereditary spastic paraplegia 11. Also called: SPASTIC PARAPLEGIA, AUTOSOMAL RECESSIVE, COMPLICATED, WITH THIN CORPUS CALLOSUM; SPASTIC PARAPLEGIA, AUTOSOMAL RECESSIVE, WITH MENTAL IMPAIRMENT AND THIN CORPUS CALLOSUM; Spastic paraplegia, mental retardation and thin corpus callosum; Spastic Paraplegia 11; Nakamura Osame syndrome; Autosomal recessive hereditary spastic paraplegia, mental impairment, and thin corpus callosum. Identifiers: Orphanet 2822, MedGen C1858479, MONDO:0011445, OMIM 604360.

Submissions (2):

Labcorp Genetics (formerly Invitae), Labcorp
Classification: Pathogenic for Hereditary spastic paraplegia 11. Last evaluated: 2025-10-06. Review status: criteria provided, single submitter. Criteria: Invitae Variant Classification Sherloc (09022015). Collection method: clinical testing. Allele origin: germline.
Comment: This sequence change creates a premature translational stop signal (p.Glu117*) in the SPG11 gene. It is expected to result in an absent or disrupted protein product. Loss-of-function variants in SPG11 are known to be pathogenic (PMID: 19105190, 20110243, 22154821, 26556829). This variant is not present in population databases (gnomAD no frequency). This premature translational stop signal has been observed in individual(s) with complex hereditary spastic paraplegia (PMID: 19196735). In at least one individual the data is consistent with being in trans (on the opposite chromosome) from a pathogenic variant. ClinVar contains an entry for this variant (Variation ID: 41306). For these reasons, this variant has been classified as Pathogenic.

GeneReviews
No classification provided. Condition: Hereditary spastic paraplegia 11. Review status: no classification provided. Collection method: literature only. Allele origin: unknown. Not counted in ClinVar's aggregate classification.

Literature cited by the submitters: PubMed 19105190 (cited by Labcorp Genetics (formerly Invitae), Labcorp); PubMed 20110243 (cited by Labcorp Genetics (formerly Invitae), Labcorp); PubMed 22154821 (cited by Labcorp Genetics (formerly Invitae), Labcorp); PubMed 26556829 (cited by Labcorp Genetics (formerly Invitae), Labcorp); PubMed 19196735 (cited by Labcorp Genetics (formerly Invitae), Labcorp and GeneReviews); PubMed 20301389 (cited by GeneReviews); NCBI Bookshelf NBK1210 (cited by GeneReviews).

NM_025137.4(SPG11):c.349G>T (p.Glu117Ter)

Gene: SPG11 (SPG11 vesicle trafficking associated, spatacsin; minus strand). Cytogenetic location: 15q21.1.
Variant type: single nucleotide variant.
Coding change: c.349G>T on transcript NM_025137.4 (MANE Select); coding-DNA position 349, G replaced by T.
Protein change: p.Glu117Ter; replaces glutamic acid 117 with a stop codon.
Molecular consequence: nonsense.
Genome position (GRCh38, 1-based): chr15:44,660,525, C>A on the plus strand (G>T on the coding strand, the complement: SPG11 is on the minus strand). VCF-style: chr15-44660525-C-A. GRCh37 (hg19) VCF-style: chr15-44952723-C-A.
Other names: c.349G>T, p.Glu117Ter (NM_001160227.2); short protein forms E117*.
Identifiers: ClinVar variation 41306 (VCV000041306.12), dbSNP rs312262711, ClinGen allele CA344333.